The following is an entry in ClinVar:

NM_000112.4(SLC26A2):c.953C>T (p.Thr318Ile)

Gene: SLC26A2 (solute carrier family 26 member 2; plus strand). Cytogenetic location: 5q32.
Variant type: single nucleotide variant.
Coding change: c.953C>T on transcript NM_000112.4 (MANE Select); coding-DNA position 953, C replaced by T.
Protein change: p.Thr318Ile; replaces threonine 318 with isoleucine.
Molecular consequence: missense variant.
Genome position (GRCh38, 1-based): chr5:149,980,546, C>T. VCF-style: chr5-149980546-C-T. GRCh37 (hg19) VCF-style: chr5-149360109-C-T.
Other names: short protein forms T318I.
Identifiers: ClinVar variation 1968989 (VCV001968989.2), dbSNP rs1343477650, ClinGen allele CA361706635.

ClinVar aggregate classification (germline): Uncertain significance (1 of 4 stars; one submission).

Conditions:
Achondrogenesis, type IB (ACG1B). Also called: Achondrogenesis Type 1B. Identifiers: Orphanet 932, Orphanet 93298, MedGen C0265274, MONDO:0010966, OMIM 600972.
Multiple epiphyseal dysplasia type 4 (EDM4). Also called: Multiple Epiphyseal Dysplasia, Recessive; MULTIPLE EPIPHYSEAL DYSPLASIA WITH BILAYERED PATELLAE; MULTIPLE EPIPHYSEAL DYSPLASIA WITH CLUBFOOT; MULTIPLE EPIPHYSEAL DYSPLASIA, AUTOSOMAL RECESSIVE; SLC26A2-Related Multiple Epiphyseal Dysplasia. Identifiers: Orphanet 93307, MedGen C1847593, MONDO:0009189, OMIM 226900.
Diastrophic dysplasia (DTD). Also called: Diastrophic dwarfism. Identifiers: Orphanet 628, MedGen C0220726, MONDO:0009107, OMIM 222600.
Atelosteogenesis type II (AO2). Also called: SLC26A2-Related Atelosteogenesis; NEONATAL OSSEOUS DYSPLASIA I; Neonatal osseous dysplasia 1. Identifiers: Orphanet 56304, MedGen C1850554, MONDO:0009727, OMIM 256050.

Allele frequency attached by ClinVar (database versions not stated): gnomAD exomes below 0.00001.
gnomAD v4.1: 2 of 1,614,162 alleles (0.00012%); highest among the groups gnomAD compares: Non-Finnish European, 0.00017%; no homozygotes.

Submission:

Labcorp Genetics (formerly Invitae), Labcorp
Classification: Uncertain significance for Atelosteogenesis type II; Multiple epiphyseal dysplasia type 4; Achondrogenesis, type IB; Diastrophic dysplasia. Last evaluated: 2022-05-22. Review status: criteria provided, single submitter. Criteria: Invitae Variant Classification Sherloc (09022015). Collection method: clinical testing. Allele origin: germline.
Comment: This sequence change replaces threonine, which is neutral and polar, with isoleucine, which is neutral and non-polar, at codon 318 of the SLC26A2 protein (p.Thr318Ile). This variant is not present in population databases (gnomAD no frequency). This variant has not been reported in the literature in individuals affected with SLC26A2-related conditions. Advanced modeling of protein sequence and biophysical properties (such as structural, functional, and spatial information, amino acid conservation, physicochemical variation, residue mobility, and thermodynamic stability) performed at Invitae indicates that this missense variant is not expected to disrupt SLC26A2 protein function. In summary, the available evidence is currently insufficient to determine the role of this variant in disease. Therefore, it has been classified as a Variant of Uncertain Significance.